The following is an entry in ClinVar:

NM_003183.6(ADAM17):c.1034T>C (p.Met345Thr)

Gene: ADAM17 (ADAM metallopeptidase domain 17; minus strand). Cytogenetic location: 2p25.1.
Variant type: single nucleotide variant.
Coding change: c.1034T>C on transcript NM_003183.6 (MANE Select); coding-DNA position 1034, T replaced by C.
Protein change: p.Met345Thr; replaces methionine 345 with threonine.
Molecular consequence: missense variant.
Genome position (GRCh38, 1-based): chr2:9,518,171, A>G on the plus strand (T>C on the coding strand, the complement: ADAM17 is on the minus strand). VCF-style: chr2-9518171-A-G. GRCh37 (hg19) VCF-style: chr2-9658300-A-G.
Other names: c.374T>C, p.Met125Thr (NM_001382777.1); c.137T>C, p.Met46Thr (NM_001382778.1); short protein forms M125T, M345T, M46T.
Identifiers: ClinVar variation 1414150 (VCV001414150.6), dbSNP rs777632615, ClinGen allele CA1523597.
Genomic context (GRCh38, chr2:9,518,171, plus strand): 5'-CAAACACCTCCATGGCTGTTTGCTCTGGGAGAGCCAACATAAGCTAATCCAAGAGTTCCC[A>G]TATCAAAATCTTGGTATGTGAAAAGGTGTGCCAAGCAAACTTTAGATGCTTCCTCAGCTA-3'
Protein context (NP_003174.3, residues 335-355): AHLFTYQDFD[Met345Thr]GTLGLAYVGS

ClinVar aggregate classification (germline): Uncertain significance (1 of 4 stars; one submission).

Conditions:
Inflammatory skin and bowel disease, neonatal, 1. Identifiers: Orphanet 294023, MedGen C3280501, MONDO:0013693, OMIM 614328.

Allele frequency attached by ClinVar (database versions not stated): ExAC 0.00001; gnomAD 0.00002 and 0.00003; gnomAD exomes below 0.00001.
gnomAD v4.1: 11 of 1,607,736 alleles (0.00068%); highest among the groups gnomAD compares: Admixed American, 0.0034%; no homozygotes.

Submission:

Labcorp Genetics (formerly Invitae), Labcorp
Classification: Uncertain significance for Inflammatory skin and bowel disease, neonatal, 1. Last evaluated: 2021-07-21. Review status: criteria provided, single submitter. Criteria: Invitae Variant Classification Sherloc (09022015). Collection method: clinical testing. Allele origin: germline.
Comment: In summary, the available evidence is currently insufficient to determine the role of this variant in disease. Therefore, it has been classified as a Variant of Uncertain Significance. Algorithms developed to predict the effect of missense changes on protein structure and function are either unavailable or do not agree on the potential impact of this missense change (SIFT: "Not Available"; PolyPhen-2: "Benign"; Align-GVGD: "Not Available"). This sequence change replaces methionine with threonine at codon 345 of the ADAM17 protein (p.Met345Thr). The methionine residue is moderately conserved and there is a moderate physicochemical difference between methionine and threonine. This variant is present in population databases (rs777632615, ExAC 0.002%). This variant has not been reported in the literature in individuals with ADAM17-related conditions.